The following is an entry in ClinVar:

ClinVar aggregate classification (germline): Uncertain significance (1 of 4 stars; one submission).

Conditions:
Autosomal dominant Robinow syndrome 3. Identifiers: Orphanet 3107, Orphanet 97360, MedGen C4225164, MONDO:0014819, OMIM 616894.

Submission:

Pittsburgh Clinical Genomics Laboratory, University of Pittsburgh Medical Center
Classification: Uncertain significance for Autosomal dominant Robinow syndrome 3. Last evaluated: 2023-01-13. Review status: criteria provided, single submitter. Criteria: ACMG Guidelines, 2015. Collection method: clinical testing. Allele origin: germline. Inheritance: Autosomal dominant inheritance. Affected: yes.
Comment: This sequence variant is a single nucleotide substitution (T>C) at coding position 899 of the DVL3 gene that results in a leucine to serine amino acid change at residue 300 of the DVL3 protein. This variant has not been previously reported to databases of clinically annotated variants (ClinVar) or observed in the literature in individuals with DVL3-associated disease, to our knowledge. This variant is not found in the gnomAD population database (0 of ~250,000 alleles). This variant is found in the PDZ domain which is responsible for protein-protein interactions. Bioinformatic tools predict that this variant would be damaging and the Leu300 residue is highly conserve across the vertebrate species examined. Functiol studies testing the effect of this variant on protein structure or activity have not been performed, to our knowledge. At this time, there is insufficient evidence to determine if this variant is pathogenic or benign. Therefore, we consider this to be a variant of uncertain significance. ACMG Criteria: BP1, PM2, PP3

NM_004423.4(DVL3):c.899T>C (p.Leu300Ser)

Gene: DVL3 (dishevelled segment polarity protein 3; plus strand). Cytogenetic location: 3q27.1.
Variant type: single nucleotide variant.
Coding change: c.899T>C on transcript NM_004423.4 (MANE Select); coding-DNA position 899, T replaced by C.
Protein change: p.Leu300Ser; replaces leucine 300 with serine.
Molecular consequence: missense variant.
Genome position (GRCh38, 1-based): chr3:184,166,261, T>C. VCF-style: chr3-184166261-T-C. GRCh37 (hg19) VCF-style: chr3-183884049-T-C.
Other names: short protein forms L300S.
Identifiers: ClinVar variation 3376190 (VCV003376190.1).